The following is an entry in ClinVar:

NM_001194998.2(CEP152):c.901_904del (p.Glu301fs)

Gene: CEP152 (centrosomal protein 152; minus strand). Cytogenetic location: 15q21.1.
Variant type: Microsatellite.
Coding change: c.901_904del on transcript NM_001194998.2 (MANE Select); coding-DNA positions 901 to 904, 4 bases deleted (GAGA; older notation c.901_904delGAGA).
Protein change: p.Glu301fs; shifts the reading frame from glutamic acid 301.
Molecular consequence: frameshift variant.
Genome position (GRCh38, 1-based): chr15:48,791,305-48,791,308, TCTC deleted on the plus strand (GAGA on the coding strand, the reverse complement: CEP152 is on the minus strand); deleting any 4 consecutive bases within chr15:48,791,305-48,791,311 gives the same sequence; the c. name uses the placement nearest the transcript's 3' end. VCF-style (leftmost placement, unchanged base first): chr15-48791304-ATCTC-A. GRCh37 (hg19) VCF-style: chr15-49083501-ATCTC-A.
Other names: c.901_904del, p.Glu301fs (NM_014985.4); short protein forms E301fs.
Identifiers: ClinVar variation 2784693 (VCV002784693.3), dbSNP rs1421061751, ClinGen allele CA2739269459.

ClinVar aggregate classification (germline): Pathogenic (1 of 4 stars; one submission).

Submission:

Labcorp Genetics (formerly Invitae), Labcorp
Classification: Pathogenic. Last evaluated: 2023-03-24. Review status: criteria provided, single submitter. Criteria: Invitae Variant Classification Sherloc (09022015). Collection method: clinical testing. Allele origin: germline.
Comment: This variant is not present in population databases (gnomAD no frequency). This variant has not been reported in the literature in individuals affected with CEP152-related conditions. For these reasons, this variant has been classified as Pathogenic. This sequence change creates a premature translational stop signal (p.Glu301Tyrfs*7) in the CEP152 gene. It is expected to result in an absent or disrupted protein product. Loss-of-function variants in CEP152 are known to be pathogenic (PMID: 21131973).

Literature cited by the submitters: PubMed 21131973.